The following is an entry in ClinVar:

ClinVar aggregate classification (germline): Uncertain significance (1 of 4 stars; one submission).

Conditions:
Congenital sensory neuropathy with selective loss of small myelinated fibers (HSAN5). Also called: HSAN Type V. Identifiers: Orphanet 64752, MedGen C0020075, MONDO:0012092, OMIM 608654.

Allele frequency attached by ClinVar (database versions not stated): gnomAD 0.00001; TOPMed 0.00002.
gnomAD v4.1: 21 of 1,614,068 alleles (0.0013%); highest among the groups gnomAD compares: Non-Finnish European, 0.0017%; no homozygotes.

Submission:

Labcorp Genetics (formerly Invitae), Labcorp
Classification: Uncertain significance for Congenital sensory neuropathy with selective loss of small myelinated fibers. Last evaluated: 2022-05-17. Review status: criteria provided, single submitter. Criteria: Invitae Variant Classification Sherloc (09022015). Collection method: clinical testing. Allele origin: germline.
Comment: This sequence change replaces valine, which is neutral and non-polar, with methionine, which is neutral and non-polar, at codon 63 of the NGF protein (p.Val63Met). This variant is present in population databases (rs750829893, gnomAD 0.002%). This variant has not been reported in the literature in individuals affected with NGF-related conditions. ClinVar contains an entry for this variant (Variation ID: 1024609). Algorithms developed to predict the effect of missense changes on protein structure and function are either unavailable or do not agree on the potential impact of this missense change (SIFT: "Deleterious"; PolyPhen-2: "Possibly Damaging"; Align-GVGD: "Class C0"). In summary, the available evidence is currently insufficient to determine the role of this variant in disease. Therefore, it has been classified as a Variant of Uncertain Significance.

NM_002506.3(NGF):c.187G>A (p.Val63Met)

Genes: NGF-AS1 (NGF antisense RNA 1; plus strand), NGF (nerve growth factor; minus strand). Cytogenetic location: 1p13.2.
Variant type: single nucleotide variant.
Coding change: c.187G>A on transcript NM_002506.3 (MANE Select); coding-DNA position 187, G replaced by A.
Protein change: p.Val63Met; replaces valine 63 with methionine.
Molecular consequence: missense variant.
Genome position (GRCh38, 1-based): chr1:115,286,609, C>T on the plus strand (G>A on the coding strand, the complement: NGF is on the minus strand). VCF-style: chr1-115286609-C-T. GRCh37 (hg19) VCF-style: chr1-115829230-C-T.
Other names: short protein forms V63M.
Identifiers: ClinVar variation 1024609 (VCV001024609.4), dbSNP rs750829893, ClinGen allele CA1023038.